The following is an entry in ClinVar:

ClinVar aggregate classification (germline): Uncertain significance (1 of 4 stars; one submission).

Conditions:
Inborn genetic diseases. Identifiers: MedGen C0950123, MeSH D030342.

Submission:

Ambry Genetics
Classification: Uncertain significance for Inborn genetic diseases. Last evaluated: 2024-06-08. Review status: criteria provided, single submitter. Criteria: Ambry Variant Classification Scheme 2023. Collection method: clinical testing. Allele origin: germline.
Comment: The p.R1082G variant (also known as c.3244C>G), located in coding exon 16 of the ATR gene, results from a C to G substitution at nucleotide position 3244. The arginine at codon 1082 is replaced by glycine, an amino acid with dissimilar properties. This amino acid position is conserved. In addition, this alteration is predicted to be deleterious by in silico analysis. Based on the available evidence, the clinical significance of this variant remains unclear.

NM_001184.4(ATR):c.3244C>G (p.Arg1082Gly)

Gene: ATR (ATR serine/threonine kinase; minus strand). Cytogenetic location: 3q23.
Variant type: single nucleotide variant.
Coding change: c.3244C>G on transcript NM_001184.4 (MANE Select); coding-DNA position 3244, C replaced by G.
Protein change: p.Arg1082Gly; replaces arginine 1082 with glycine.
Molecular consequence: missense variant.
Genome position (GRCh38, 1-based): chr3:142,547,838, G>C on the plus strand (C>G on the coding strand, the complement: ATR is on the minus strand). VCF-style: chr3-142547838-G-C. GRCh37 (hg19) VCF-style: chr3-142266680-G-C.
Other names: c.3052C>G, p.Arg1018Gly (NM_001354579.2); short protein forms R1018G, R1082G.
Identifiers: ClinVar variation 3332117 (VCV003332117.1).